The following is an entry in ClinVar:

ClinVar aggregate classification (germline): Likely benign. Review status: criteria provided, single submitter (1 of 4 stars). 2 submissions from 2 submitters: Likely benign (1). 1 of the submissions does not count toward it. Last evaluated 2025-02-24.

Conditions:
NUP160-related disorder. Also called: NUP160-related condition.

Allele frequency attached by ClinVar (database versions not stated): ESP Exome Variant Server 0.00015; ExAC 0.00004; 1000 Genomes Project 0.00020; 1000 Genomes Project 30x 0.00031.
gnomAD v4.1: 44 of 1,613,864 alleles (0.0027%); highest among the groups gnomAD compares: African/African-American, 0.052%; no homozygotes.

Submissions (2):

Labcorp Genetics (formerly Invitae), Labcorp
Classification: Likely benign. Last evaluated: 2025-02-24. Review status: criteria provided, single submitter. Criteria: Invitae Variant Classification Sherloc (09022015). Collection method: clinical testing. Allele origin: germline.

PreventionGenetics, part of Exact Sciences
Classification: Likely benign for NUP160-related condition. Last evaluated: 2020-11-16. Review status: no assertion criteria provided. Collection method: clinical testing. Allele origin: germline. Not counted in ClinVar's aggregate classification.
Comment: This variant is classified as likely benign based on ACMG/AMP sequence variant interpretation guidelines (Richards et al. 2015 PMID: 25741868, with internal and published modifications).

NM_015231.3(NUP160):c.18C>T (p.Ala6=)

Genes: NUP160 (nucleoporin 160; minus strand), LOC130005685 (ATAC-STARR-seq lymphoblastoid active region 4704; plus strand). Cytogenetic location: 11p11.2.
Variant type: single nucleotide variant.
Coding change: c.18C>T on transcript NM_015231.3 (MANE Select); coding-DNA position 18, C replaced by T.
Protein change: p.Ala6=; no amino-acid change (alanine 6 retained).
Molecular consequence: synonymous variant. On other transcripts: non-coding transcript variant (1).
Genome position (GRCh38, 1-based): chr11:47,848,301, G>A on the plus strand (C>T on the coding strand, the complement: NUP160 is on the minus strand). VCF-style: chr11-47848301-G-A. GRCh37 (hg19) VCF-style: chr11-47869853-G-A.
Other names: c.120C>T, p.Ala40= (NM_001318399.1).
Identifiers: ClinVar variation 3030134 (VCV003030134.4), dbSNP rs375040304, ClinGen allele CA5981755.